The following is an entry in ClinVar:

ClinVar aggregate classification (germline): Pathogenic (1 of 4 stars; one submission).

Conditions:
Supravalvar aortic stenosis (SVAS). Also called: Supravalvar aortic stenosis, Eisenberg type. Identifiers: Orphanet 3193, MedGen C0003499, MONDO:0008504, OMIM 185500, HP:0004381.

Submission:

Labcorp Genetics (formerly Invitae), Labcorp
Classification: Pathogenic for Supravalvar aortic stenosis. Last evaluated: 2024-07-15. Review status: criteria provided, single submitter. Criteria: Invitae Variant Classification Sherloc (09022015). Collection method: clinical testing. Allele origin: germline.
Comment: This sequence change creates a premature translational stop signal (p.Gly684Aspfs*20) in the ELN gene. It is expected to result in an absent or disrupted protein product. Loss-of-function variants in ELN are known to be pathogenic (PMID: 11175284). This variant is not present in population databases (gnomAD no frequency). This variant has not been reported in the literature in individuals affected with ELN-related conditions. For these reasons, this variant has been classified as Pathogenic.

Literature cited by the submitters: PubMed 11175284.

NM_000501.4(ELN):c.1863del (p.Gly622fs)

Gene: ELN (elastin; plus strand). Cytogenetic location: 7q11.23.
Variant type: Deletion.
Coding change: c.1863del on transcript NM_000501.4 (MANE Select); coding-DNA position 1863, one base deleted (C; older notation c.1863delC).
Protein change: p.Gly622fs; shifts the reading frame from glycine 622.
Molecular consequence: frameshift variant.
Genome position (GRCh38, 1-based): chr7:74,063,314, C deleted; the last of 2 consecutive C bases (chr7:74,063,313-74,063,314); deleting either gives the same sequence. VCF-style (leftmost placement, unchanged base first): chr7-74063312-GC-G. GRCh37 (hg19) VCF-style: chr7-73477642-GC-G.
Other names: c.1776del, p.Gly593fs (NM_001081752.3); c.1821del, p.Gly608fs (NM_001081753.3); c.1878del, p.Gly627fs (NM_001081754.3); c.1806del, p.Gly603fs (NM_001081755.3); c.1863del, p.Gly622fs (NM_001278912.2); c.1620del, p.Gly541fs (NM_001278913.2); c.1791del, p.Gly598fs (NM_001278914.2); c.1881del, p.Gly628fs (NM_001278915.2); and 4 more; short protein forms G533fs, G541fs, G598fs, G622fs, G628fs, G593fs, G603fs, G612fs.
Identifiers: ClinVar variation 3659546 (VCV003659546.2).